The following is an entry in ClinVar:

ClinVar aggregate classification (germline): Benign/Likely benign. Review status: criteria provided, multiple submitters, no conflicts (2 of 4 stars). 3 submissions from 3 submitters: Benign (1); Likely benign (2). Last evaluated 2024-10-15.

Conditions:
Hereditary diffuse gastric adenocarcinoma (HDGC). Also called: DIFFUSE GASTRIC AND LOBULAR BREAST CANCER SYNDROME. Identifiers: Orphanet 26106, MedGen C1708349, MONDO:0007648, OMIM 137215.
Hereditary cancer-predisposing syndrome. Also called: Neoplastic Syndromes, Hereditary; Hereditary neoplastic syndrome; Tumor predisposition; Hereditary Cancer Syndrome. Identifiers: Orphanet 140162, MedGen C0027672, MeSH D009386, MONDO:0015356.

Allele frequency attached by ClinVar (database versions not stated): TOPMed 0.00001.

Submissions (3):

Myriad Genetics, Inc.
Classification: Benign for Hereditary diffuse gastric adenocarcinoma. Last evaluated: 2024-10-15. Review status: criteria provided, single submitter. Criteria: Myriad Autosomal Dominant, Autosomal Recessive and X-Linked Classification Criteria (2023). Collection method: clinical testing. Allele origin: unknown.
Comment: This variant is considered benign. This variant is a silent/synonymous amino acid change and it is not expected to impact splicing.

Labcorp Genetics (formerly Invitae), Labcorp
Classification: Likely benign. Last evaluated: 2024-02-26. Review status: criteria provided, single submitter. Criteria: Invitae Variant Classification Sherloc (09022015). Collection method: clinical testing. Allele origin: germline.

Ambry Genetics
Classification: Likely benign for Hereditary cancer-predisposing syndrome. Last evaluated: 2022-11-10. Review status: criteria provided, single submitter. Criteria: Ambry Variant Classification Scheme 2023. Collection method: clinical testing. Allele origin: germline.

NM_001903.5(CTNNA1):c.2439C>T (p.Asp813=)

Gene: CTNNA1 (catenin alpha 1; plus strand). Cytogenetic location: 5q31.2.
Variant type: single nucleotide variant.
Coding change: c.2439C>T on transcript NM_001903.5 (MANE Select); coding-DNA position 2439, C replaced by T.
Protein change: p.Asp813=; no amino-acid change (aspartic acid 813 retained).
Molecular consequence: synonymous variant. On other transcripts: missense variant (5), intron variant (1).
Genome position (GRCh38, 1-based): chr5:138,933,807, C>T. VCF-style: chr5-138933807-C-T. GRCh37 (hg19) VCF-style: chr5-138269496-C-T.
Other names: c.2439C>T (NM_001903.2); c.2510C>T, p.Thr837Ile (NM_001290307.3); c.2130C>T, p.Asp710= (NM_001290309.3); c.2070C>T, p.Asp690= (NM_001290310.3); c.1329C>T, p.Asp443= (NM_001290312.1, NM_001323987.1, NM_001323988.1 and 12 more transcripts); c.2439C>T, p.Asp813= (NM_001323982.2, NM_001323983.1, NM_001323984.2); c.2346C>T, p.Asp782= (NM_001323986.2); c.1194C>T, p.Asp398= (NM_001324001.1); and 5 more; short protein forms T467I, T837I.
Identifiers: ClinVar variation 1138990 (VCV001138990.11), dbSNP rs1353347318, ClinGen allele CA361134922.
Genomic context (GRCh38, chr5:138,933,807, plus strand): 5'-TCCACGAGGCTGGAGGTCAGGCCGGTGCTTCTTACCACCCCTGTCTGCCTCGTAGGTGGA[C>T]AGCGCCATGTCCCTGATCCAGGCAGCCAAGAACTTGATGAATGCTGTGGTGCAGACAGTG-3'
Protein context (NP_001894.2, residues 803-823): LGGELVVSGV[Asp813=]SAMSLIQAAK